The following is an entry in ClinVar:

NM_019042.5(PUS7):c.1589C>T (p.Pro530Leu)

Gene: PUS7 (pseudouridine synthase 7; minus strand). Cytogenetic location: 7q22.3.
Variant type: single nucleotide variant.
Coding change: c.1589C>T on transcript NM_019042.5 (MANE Select); coding-DNA position 1589, C replaced by T.
Protein change: p.Pro530Leu; replaces proline 530 with leucine.
Molecular consequence: missense variant.
Genome position (GRCh38, 1-based): chr7:105,465,351, G>A on the plus strand (C>T on the coding strand, the complement: PUS7 is on the minus strand). VCF-style: chr7-105465351-G-A. GRCh37 (hg19) VCF-style: chr7-105105798-G-A.
Other names: p.Pro530Leu; c.1607C>T, p.Pro536Leu (NM_001318163.1); c.1589C>T, p.Pro530Leu (NM_001318164.2); short protein forms P530L, P536L.
Identifiers: ClinVar variation 3899229 (VCV003899229.1).
Genomic context (GRCh38, chr7:105,465,351, plus strand): 5'-TTTCCCCATACAGGGAACTTACTTTTATGCTTTGGGTAGATAACATCGAAACCAGGCAAG[G>A]GCATTACCACATCATGGATAGAGTAATTATTAACATCATCTTCCTCAATATAGGTGGCTG-3'
Protein context (NP_061915.2, residues 520-540): NNYSIHDVVM[Pro530Leu]LPGFDVIYPK

ClinVar aggregate classification (germline): Uncertain significance (1 of 4 stars; one submission).

Conditions:
Intellectual developmental disorder with abnormal behavior, microcephaly, and short stature. Identifiers: MedGen C5193039, MONDO:0032687, OMIM 618342.

gnomAD v4.1: 20 of 1,613,562 alleles (0.0012%); highest among the groups gnomAD compares: Non-Finnish European, 0.0017%; no homozygotes.

Submission:

Molecular Diagnostics Laboratory, M Health Fairview: University of Minnesota
Classification: Uncertain significance for Intellectual developmental disorder with abnormal behavior, microcephaly, and short stature. Last evaluated: 2025-01-22. Review status: criteria provided, single submitter. Criteria: ACMG Guidelines, 2015. Collection method: clinical testing. Allele origin: germline. Affected: yes.
Comment: Confirmed in trans with a second PUS7 variant